The following is an entry in ClinVar:

NM_000059.4(BRCA2):c.4094G>C (p.Cys1365Ser)

Gene: BRCA2 (BRCA2 DNA repair associated; plus strand). Cytogenetic location: 13q13.1.
Variant type: single nucleotide variant.
Coding change: c.4094G>C on transcript NM_000059.4 (MANE Select); coding-DNA position 4094, G replaced by C.
Protein change: p.Cys1365Ser; replaces cysteine 1365 with serine.
Molecular consequence: missense variant.
Genome position (GRCh38, 1-based): chr13:32,338,449, G>C. VCF-style: chr13-32338449-G-C. GRCh37 (hg19) VCF-style: chr13-32912586-G-C.
Other names: short protein forms C1365S.
Identifiers: ClinVar variation 531394 (VCV000531394.14), dbSNP rs80358657, ClinGen allele CA387779231.

ClinVar aggregate classification (germline): Conflicting classifications of pathogenicity. Review status: criteria provided, conflicting classifications (1 of 4 stars). 3 submissions from 3 submitters: Uncertain significance (2); Likely benign (1). Last evaluated 2024-09-23.

Conditions:
Hereditary breast ovarian cancer syndrome. Also called: Hereditary breast and ovarian cancer syndrome (HBOC); BRCA1- and BRCA2-Associated Hereditary Breast and Ovarian Cancer; Hereditary breast and ovarian cancer syndrome; Breast and ovarian cancer; Hereditary breast and ovarian cancer; Hereditary breast and/or ovarian cancer syndrome. Identifiers: Orphanet 145, MedGen C0677776, MeSH D061325, MONDO:0003582. Disease mechanism: loss of function.
Hereditary cancer-predisposing syndrome. Also called: Hereditary neoplastic syndrome; Neoplastic Syndromes, Hereditary; Tumor predisposition; Hereditary Cancer Syndrome. Identifiers: Orphanet 140162, MedGen C0027672, MeSH D009386, MONDO:0015356.

Submissions (3):

Labcorp Genetics (formerly Invitae), Labcorp
Classification: Uncertain significance for Hereditary breast ovarian cancer syndrome. Last evaluated: 2024-09-23. Review status: criteria provided, single submitter. Criteria: Invitae Variant Classification Sherloc (09022015). Collection method: clinical testing. Allele origin: germline.
Comment: This sequence change replaces cysteine, which is neutral and slightly polar, with serine, which is neutral and polar, at codon 1365 of the BRCA2 protein (p.Cys1365Ser). This variant is not present in population databases (gnomAD no frequency). This variant has not been reported in the literature in individuals affected with BRCA2-related conditions. ClinVar contains an entry for this variant (Variation ID: 531394). Invitae Evidence Modeling of protein sequence and biophysical properties (such as structural, functional, and spatial information, amino acid conservation, physicochemical variation, residue mobility, and thermodynamic stability) indicates that this missense variant is not expected to disrupt BRCA2 protein function with a negative predictive value of 95%. In summary, the available evidence is currently insufficient to determine the role of this variant in disease. Therefore, it has been classified as a Variant of Uncertain Significance.

University of Washington Department of Laboratory Medicine, University of Washington
Classification: Likely benign for Hereditary cancer-predisposing syndrome. Last evaluated: 2023-03-23. Review status: criteria provided, single submitter. Criteria: Dines et al. (Genet Med. 2020). Collection method: curation. Allele origin: germline.
Comment: Missense variant in a coldspot region where missense variants are very unlikely to be pathogenic (PMID:31911673).

BRCA2 exon 11 coldspot. Reclassification based on statistical prior probability.

Ambry Genetics
Classification: Uncertain significance for Hereditary cancer-predisposing syndrome. Last evaluated: 2022-04-25. Review status: criteria provided, single submitter. Criteria: Ambry Variant Classification Scheme 2023. Collection method: clinical testing. Allele origin: germline.
Comment: The p.C1365S variant (also known as c.4094G>C), located in coding exon 10 of the BRCA2 gene, results from a G to C substitution at nucleotide position 4094. The cysteine at codon 1365 is replaced by serine, an amino acid with dissimilar properties. This amino acid position is not well conserved in available vertebrate species. In addition, this alteration is predicted to be tolerated by in silico analysis. Since supporting evidence is limited at this time, the clinical significance of this alteration remains unclear.